The following is an entry in ClinVar:

NM_001854.4(COL11A1):c.2123T>C (p.Ile708Thr)

Gene: COL11A1 (collagen type XI alpha 1 chain; minus strand). Cytogenetic location: 1p21.1.
Variant type: single nucleotide variant.
Coding change: c.2123T>C on transcript NM_001854.4 (MANE Select); coding-DNA position 2123, T replaced by C.
Protein change: p.Ile708Thr; replaces isoleucine 708 with threonine.
Molecular consequence: missense variant. On other transcripts: non-coding transcript variant (1).
Genome position (GRCh38, 1-based): chr1:103,001,944, A>G on the plus strand (T>C on the coding strand, the complement: COL11A1 is on the minus strand). VCF-style: chr1-103001944-A-G. GRCh37 (hg19) VCF-style: chr1-103467500-A-G.
Other names: c.2006T>C, p.Ile669Thr (NM_001190709.2); c.2159T>C, p.Ile720Thr (NM_080629.3); c.1775T>C, p.Ile592Thr (NM_080630.4); short protein forms I592T, I669T, I708T, I720T.
Identifiers: ClinVar variation 3900771 (VCV003900771.1).

ClinVar aggregate classification (germline): Uncertain significance (1 of 4 stars; one submission).

gnomAD v4.1: 1 of 1,613,438 alleles (0.000062%); highest among the groups gnomAD compares: South Asian, 0.0011%; no homozygotes.

Submission:

GeneDx
Classification: Uncertain significance. Last evaluated: 2024-12-02. Review status: criteria provided, single submitter. Criteria: GeneDx Variant Classification Process June 2021. Collection method: clinical testing. Allele origin: germline. Affected: yes.
Comment: Not observed at significant frequency in large population cohorts (gnomAD); In silico analysis supports that this missense variant has a deleterious effect on protein structure/function; Has not been previously published as pathogenic or benign in association with a COL11A1-related disorder to our knowledge; This variant is associated with the following publications: (PMID: 31685998)